The following is an entry in ClinVar:

ClinVar aggregate classification (germline): Uncertain significance (1 of 4 stars; one submission).

Submission:

Women's Health and Genetics/Laboratory Corporation of America, LabCorp
Classification: Uncertain significance. Last evaluated: 2025-04-11. Review status: criteria provided, single submitter. Criteria: LabCorp Variant Classification Summary - May 2015. Collection method: clinical testing. Allele origin: germline.
Comment: Variant summary: CNP c.913C>G (p.Gln305Glu) results in a conservative amino acid change in the encoded protein sequence. Four of five in-silico tools predict a benign effect of the variant on protein function. The variant allele was found at a frequency of 0.00016 in 249568 control chromosomes. This frequency is not significantly higher than estimated for a pathogenic variant in CNP causing Leukodystrophy, Hypomyelinating, 20, allowing no conclusion about variant significance. To our knowledge, no occurrence of c.913C>G in individuals affected with Leukodystrophy, Hypomyelinating, 20 and no experimental evidence demonstrating its impact on protein function have been reported. No submitters have cited clinical-significance assessments for this variant to ClinVar. Based on the evidence outlined above, the variant was classified as uncertain significance.

NM_033133.5(CNP):c.913C>G (p.Gln305Glu)

Gene: CNP (2'',3''-cyclic nucleotide 3'' phosphodiesterase; plus strand). Cytogenetic location: 17q21.2.
Variant type: single nucleotide variant.
Coding change: c.913C>G on transcript NM_033133.5 (MANE Select); coding-DNA position 913, C replaced by G.
Protein change: p.Gln305Glu; replaces glutamine 305 with glutamic acid.
Molecular consequence: missense variant.
Genome position (GRCh38, 1-based): chr17:41,973,571, C>G. VCF-style: chr17-41973571-C-G. GRCh37 (hg19) VCF-style: chr17-40125589-C-G.
Other names: c.853C>G, p.Gln285Glu (NM_001330216.2); short protein forms Q285E, Q305E.
Identifiers: ClinVar variation 3896324 (VCV003896324.2).
Genomic context (GRCh38, chr17:41,973,571, plus strand): 5'-ACCATCTCTGCCCTCTTTGTGACACCCAAGACGACTGGGGCCCGGGTGGAGTTAAGCGAG[C>G]AGCAACTGCAGTTGTGGCCGAGTGATGTGGACAAGCTGTCACCCACTGACAACCTGCCGC-3'
Protein context (NP_149124.3, residues 295-315): TTGARVELSE[Gln305Glu]QLQLWPSDVD